The following is an entry in ClinVar:

ClinVar aggregate classification (germline): Uncertain significance. Review status: criteria provided, multiple submitters, no conflicts (2 of 4 stars). 2 submissions from 2 submitters: Uncertain significance (2). Last evaluated 2026-04-28.

Conditions:
Hereditary cancer-predisposing syndrome. Also called: Tumor predisposition; Hereditary neoplastic syndrome; Neoplastic Syndromes, Hereditary; Hereditary Cancer Syndrome. Identifiers: Orphanet 140162, MedGen C0027672, MeSH D009386, MONDO:0015356.
Familial adenomatous polyposis 1 (FAP1). Also called: POLYPOSIS, ADENOMATOUS INTESTINAL; FAMILIAL ADENOMATOUS POLYPOSIS 1, ATTENUATED. Identifiers: MedGen C2713442, MONDO:0021056, OMIM 175100. Disease mechanism: loss of function.

Submissions (2):

Ambry Genetics
Classification: Uncertain significance for Hereditary cancer-predisposing syndrome. Last evaluated: 2026-04-28. Review status: criteria provided, single submitter. Criteria: Ambry Variant Classification Scheme 2023. Collection method: clinical testing. Allele origin: germline.
Comment: The p.S968R variant (also known as c.2904T>A), located in coding exon 15 of the APC gene, results from a T to A substitution at nucleotide position 2904. The serine at codon 968 is replaced by arginine, an amino acid with dissimilar properties. This amino acid position is conserved. In addition, in silico predictors for this gene do not accurately predict pathogenicity. Based on the available evidence, the clinical significance of this variant remains unclear.

Labcorp Genetics (formerly Invitae), Labcorp
Classification: Uncertain significance for Familial adenomatous polyposis 1. Last evaluated: 2017-12-10. Review status: criteria provided, single submitter. Criteria: Invitae Variant Classification Sherloc (09022015). Collection method: clinical testing. Allele origin: germline.
Comment: In summary, the available evidence is currently insufficient to determine the role of this variant in disease. Therefore, it has been classified as a Variant of Uncertain Significance. Algorithms developed to predict the effect of missense changes on protein structure and function (SIFT, PolyPhen-2, Align-GVGD) all suggest that this variant is likely to be tolerated, but these predictions have not been confirmed by published functional studies and their clinical significance is uncertain. This variant has not been reported in the literature in individuals with APC-related disease. This variant is not present in population databases (ExAC no frequency). This sequence change replaces serine with arginine at codon 968 of the APC protein (p.Ser968Arg). The serine residue is moderately conserved and there is a moderate physicochemical difference between serine and arginine.

NM_000038.6(APC):c.2904T>A (p.Ser968Arg)

Gene: APC (APC regulator of Wnt signaling pathway; plus strand). Cytogenetic location: 5q22.2.
Variant type: single nucleotide variant.
Coding change: c.2904T>A on transcript NM_000038.6 (MANE Select); coding-DNA position 2904, T replaced by A.
Protein change: p.Ser968Arg; replaces serine 968 with arginine.
Molecular consequence: missense variant.
Genome position (GRCh38, 1-based): chr5:112,838,498, T>A. VCF-style: chr5-112838498-T-A. GRCh37 (hg19) VCF-style: chr5-112174195-T-A.
Other names: c.2904T>A, p.Ser968Arg (NM_001127510.3, NM_001354895.2); c.2850T>A, p.Ser950Arg (NM_001127511.3); c.2958T>A, p.Ser986Arg (NM_001354896.2); c.2934T>A, p.Ser978Arg (NM_001354897.2); c.2829T>A, p.Ser943Arg (NM_001354898.2); c.2820T>A, p.Ser940Arg (NM_001354899.2); c.2781T>A, p.Ser927Arg (NM_001354900.2); c.2727T>A, p.Ser909Arg (NM_001354901.2); and 5 more; short protein forms S950R, S968R, S842R, S867R, S940R, S808R, S877R, S943R.
Identifiers: ClinVar variation 537480 (VCV000537480.11), dbSNP rs1554084582, ClinGen allele CA16027673.